The following is an entry in ClinVar:

NM_000540.3(RYR1):c.5370G>A (p.Gly1790=)

Gene: RYR1 (ryanodine receptor 1; plus strand). Cytogenetic location: 19q13.2.
Variant type: single nucleotide variant.
Coding change: c.5370G>A on transcript NM_000540.3 (MANE Select); coding-DNA position 5370, G replaced by A.
Protein change: p.Gly1790=; no amino-acid change (glycine 1790 retained).
Molecular consequence: synonymous variant.
Genome position (GRCh38, 1-based): chr19:38,486,025, G>A. VCF-style: chr19-38486025-G-A. GRCh37 (hg19) VCF-style: chr19-38976665-G-A.
Other names: c.5370G>A, p.Gly1790= (NM_001042723.2).
Identifiers: ClinVar variation 511086 (VCV000511086.8), dbSNP rs1222078088, ClinGen allele CA507353440.

ClinVar aggregate classification (germline): Likely benign. Review status: criteria provided, multiple submitters, no conflicts (2 of 4 stars). 2 submissions from 2 submitters: Likely benign (2). Last evaluated 2023-07-16.

Conditions:
RYR1-related disorder. Also called: RYR1-related condition; RYR1-related disorders. Identifiers: MedGen CN239331.

Allele frequency attached by ClinVar (database versions not stated): gnomAD exomes below 0.00001 and 0.00001; gnomAD 0.00001; TOPMed 0.00001.
gnomAD v4.1: 5 of 1,613,142 alleles (0.00031%); highest among the groups gnomAD compares: African/African-American, 0.0053%; no homozygotes.

Submissions (2):

Labcorp Genetics (formerly Invitae), Labcorp
Classification: Likely benign for RYR1-related disorder. Last evaluated: 2023-07-16. Review status: criteria provided, single submitter. Criteria: Invitae Variant Classification Sherloc (09022015). Collection method: clinical testing. Allele origin: germline.

GeneDx
Classification: Likely benign. Last evaluated: 2017-07-27. Review status: criteria provided, single submitter. Criteria: GeneDx Variant Classification (06012015). Collection method: clinical testing. Allele origin: germline. Affected: yes.
Comment: This variant is considered likely benign or benign based on one or more of the following criteria: it is a conservative change, it occurs at a poorly conserved position in the protein, it is predicted to be benign by multiple in silico algorithms, and/or has population frequency not consistent with disease.